The following is an entry in ClinVar:

NM_004599.4(SREBF2):c.1112G>A (p.Arg371Lys)

Gene: SREBF2 (sterol regulatory element binding transcription factor 2; plus strand). Cytogenetic location: 22q13.2.
Variant type: single nucleotide variant.
Coding change: c.1112G>A on transcript NM_004599.4 (MANE Select); coding-DNA position 1112, G replaced by A.
Protein change: p.Arg371Lys; replaces arginine 371 with lysine.
Molecular consequence: missense variant. On other transcripts: non-coding transcript variant (1).
Genome position (GRCh38, 1-based): chr22:41,875,359, G>A. VCF-style: chr22-41875359-G-A. GRCh37 (hg19) VCF-style: chr22-42271363-G-A.
Other names: short protein forms R371K.
Identifiers: ClinVar variation 774750 (VCV000774750.20), dbSNP rs2229439, ClinGen allele CA10261556.

ClinVar aggregate classification (germline): Benign/Likely benign. Review status: criteria provided, multiple submitters, no conflicts (2 of 4 stars). 4 submissions from 4 submitters: Benign (2); Likely benign (1). 1 of the submissions does not count toward it. Last evaluated 2025-01-01.

Conditions:
SREBF2-related disorder. Also called: SREBF2-related condiiton.

Allele frequency attached by ClinVar (database versions not stated): 1000 Genomes Project 30x 0.00078; 1000 Genomes Project 0.00100; ESP Exome Variant Server 0.00338; gnomAD 0.00339 and 0.00348; gnomAD exomes 0.00339 and 0.00447; TOPMed 0.00339; ExAC 0.00389.

Submissions (4):

CeGaT Center for Human Genetics Tuebingen
Classification: Likely benign. Last evaluated: 2025-01-01. Review status: criteria provided, single submitter. Criteria: CeGaT Center For Human Genetics Tuebingen Variant Classification Criteria Version 2. Collection method: clinical testing. Allele origin: germline. Affected: yes. Observed: 3 variant alleles.
Comment: SREBF2: PP3, BS2

Labcorp Genetics (formerly Invitae), Labcorp
Classification: Benign. Last evaluated: 2018-08-16. Review status: criteria provided, single submitter. Criteria: Invitae Variant Classification Sherloc (09022015). Collection method: clinical testing. Allele origin: germline.

Breakthrough Genomics
Classification: Benign. Review status: criteria provided, single submitter. Criteria: ACMG Guidelines, 2015. Collection method: not provided. Allele origin: germline. Inheritance: Unknown mechanism. Affected: yes.

PreventionGenetics, part of Exact Sciences
Classification: Likely benign for SREBF2-related condition. Last evaluated: 2024-09-03. Review status: no assertion criteria provided. Collection method: clinical testing. Allele origin: germline. Not counted in ClinVar's aggregate classification.
Comment: This variant is classified as likely benign based on ACMG/AMP sequence variant interpretation guidelines (Richards et al. 2015 PMID: 25741868, with internal and published modifications).